The following is an entry in ClinVar:

NM_001360.3(DHCR7):c.670G>A (p.Glu224Lys)

Gene: DHCR7 (7-dehydrocholesterol reductase; minus strand). Cytogenetic location: 11q13.4.
Variant type: single nucleotide variant.
Coding change: c.670G>A on transcript NM_001360.3 (MANE Select); coding-DNA position 670, G replaced by A.
Protein change: p.Glu224Lys; replaces glutamic acid 224 with lysine.
Molecular consequence: missense variant.
Genome position (GRCh38, 1-based): chr11:71,439,040, C>T on the plus strand (G>A on the coding strand, the complement: DHCR7 is on the minus strand). VCF-style: chr11-71439040-C-T. GRCh37 (hg19) VCF-style: chr11-71150086-C-T.
Other names: c.670G>A, p.Glu224Lys (NM_001163817.2); short protein forms E224K.
Identifiers: ClinVar variation 499993 (VCV000499993.17), dbSNP rs373121544, ClinGen allele CA6162492.

ClinVar aggregate classification (germline): Conflicting classifications of pathogenicity. Review status: criteria provided, conflicting classifications (1 of 4 stars). 5 submissions from 5 submitters: Pathogenic (1); Likely pathogenic (1); Uncertain significance (1). 2 of the submissions do not count toward it. Last evaluated 2025-03-31.

Conditions:
Smith-Lemli-Opitz syndrome (SLOS). Also called: 7-Dehydrocholesterol reductase deficiency; LETHAL ACRODYSGENITAL SYNDROME; POLYDACTYLY, SEX REVERSAL, RENAL HYPOPLASIA, AND UNILOBAR LUNG; RSH SYNDROME; RUTLEDGE LETHAL MULTIPLE CONGENITAL ANOMALY SYNDROME. Identifiers: Orphanet 818, MedGen C0175694, MONDO:0010035, OMIM 270400.
DHCR7-related disorder. Also called: DHCR7-related condition.

Allele frequency attached by ClinVar (database versions not stated): TOPMed below 0.00001; gnomAD 0.00001; gnomAD exomes 0.00001 and 0.00002; ExAC 0.00002; ESP Exome Variant Server 0.00008.
gnomAD v4.1: 12 of 1,613,970 alleles (0.00074%); highest among the groups gnomAD compares: African/African-American, 0.0027%; no homozygotes.

Submissions (5):

Labcorp Genetics (formerly Invitae), Labcorp
Classification: Pathogenic for Smith-Lemli-Opitz syndrome. Last evaluated: 2025-03-31. Review status: criteria provided, single submitter. Criteria: Invitae Variant Classification Sherloc (09022015). Collection method: clinical testing. Allele origin: germline.
Comment: This sequence change replaces glutamic acid, which is acidic and polar, with lysine, which is basic and polar, at codon 224 of the DHCR7 protein (p.Glu224Lys). This variant is present in population databases (rs373121544, gnomAD 0.004%). This missense change has been observed in individual(s) with Smith-Lemli-Opitz syndrome (PMID: 15776424). In at least one individual the data is consistent with being in trans (on the opposite chromosome) from a pathogenic variant. ClinVar contains an entry for this variant (Variation ID: 499993). Invitae Evidence Modeling of protein sequence and biophysical properties (such as structural, functional, and spatial information, amino acid conservation, physicochemical variation, residue mobility, and thermodynamic stability) indicates that this missense variant is expected to disrupt DHCR7 protein function with a positive predictive value of 95%. For these reasons, this variant has been classified as Pathogenic.

Blueprint Genetics
Classification: Likely pathogenic for DHCR7-related disorders. Last evaluated: 2023-09-21. Review status: criteria provided, single submitter. Criteria: ACMG Guidelines, 2015. Collection method: clinical testing. Allele origin: germline. Affected: yes. Observed: 1 variant allele.

Eurofins Ntd Llc (ga)
Classification: Uncertain significance. Last evaluated: 2017-01-18. Review status: criteria provided, single submitter. Criteria: EGL Classification Definitions 2015. Collection method: clinical testing. Allele origin: germline. Observed: 1 variant allele, 1 heterozygote.

Natera, Inc.
Classification: Uncertain significance for Smith-Lemli-Opitz syndrome. Last evaluated: 2020-02-25. Review status: no assertion criteria provided. Collection method: clinical testing. Allele origin: germline. Not counted in ClinVar's aggregate classification.

Counsyl
Classification: Uncertain significance for Smith-Lemli-Opitz syndrome. Last evaluated: 2018-01-08. Review status: no assertion criteria provided. Collection method: clinical testing. Allele origin: unknown. Not counted in ClinVar's aggregate classification.

Literature cited by the submitters: PubMed 15776424 (cited by Labcorp Genetics (formerly Invitae), Labcorp and Counsyl).